The following is an entry in ClinVar:

NM_001370259.2(MEN1):c.496C>T (p.Gln166Ter)

Gene: MEN1 (menin 1; minus strand). Cytogenetic location: 11q13.1.
Variant type: single nucleotide variant.
Coding change: c.496C>T on transcript NM_001370259.2 (MANE Select); coding-DNA position 496, C replaced by T.
Protein change: p.Gln166Ter; replaces glutamine 166 with a stop codon.
Molecular consequence: nonsense.
Genome position (GRCh38, 1-based): chr11:64,808,049, G>A on the plus strand (C>T on the coding strand, the complement: MEN1 is on the minus strand). VCF-style: chr11-64808049-G-A. GRCh37 (hg19) VCF-style: chr11-64575521-G-A.
Other names: c.496C>T (NM_130799.2); c.511C>T, p.Gln171Ter (NM_130802.3, NM_130803.3, NM_130804.3 and 3 more transcripts); c.496C>T, p.Gln166Ter (NM_001370251.2, NM_001370260.2, NM_001370261.2 and 3 more transcripts); short protein forms Q166*, Q171*.
Identifiers: ClinVar variation 618208 (VCV000618208.11), dbSNP rs1565648511, ClinGen allele CA381186092.

ClinVar aggregate classification (germline): Pathogenic. Review status: criteria provided, multiple submitters, no conflicts (2 of 4 stars). 3 submissions from 3 submitters: Pathogenic (3). Last evaluated 2026-03-31.

Conditions:
Hereditary cancer-predisposing syndrome. Also called: Hereditary neoplastic syndrome; Tumor predisposition; Hereditary Cancer Syndrome; Neoplastic Syndromes, Hereditary. Identifiers: Orphanet 140162, MedGen C0027672, MeSH D009386, MONDO:0015356.
Multiple endocrine neoplasia, type 1 (MEN1). Also called: Endocrine adenomatosis multiple; MEN 1; MEA I; MEN I; WERMER SYNDROME. Identifiers: Orphanet 652, MedGen C0025267, MeSH D018761, MONDO:0007540, OMIM 131100.

Submissions (3):

Myriad Genetics, Inc.
Classification: Pathogenic for Multiple endocrine neoplasia, type 1. Last evaluated: 2026-03-31. Review status: criteria provided, single submitter. Criteria: Myriad Autosomal Dominant, Autosomal Recessive and X-Linked Classification Criteria (2023). Collection method: clinical testing. Allele origin: unknown.
Comment: This variant is considered pathogenic. This variant creates a termination codon and is predicted to result in premature protein truncation.

Ambry Genetics
Classification: Pathogenic for Hereditary cancer-predisposing syndrome. Last evaluated: 2025-12-17. Review status: criteria provided, single submitter. Criteria: Ambry Variant Classification Scheme 2023. Collection method: clinical testing. Allele origin: germline.
Comment: The p.Q166* pathogenic mutation (also known as c.496C>T), located in coding exon 2 of the MEN1 gene, results from a C to T substitution at nucleotide position 496. This changes the amino acid from a glutamine to a stop codon within coding exon 2. This variant was reported in individual(s) with features consistent with multiple endocrine neoplasia type 1 (Tanaka C et al. J Clin Endocrinol Metab, 1998 Mar;83:960-5; Ambry internal data). This variant is considered to be rare based on population cohorts in the Genome Aggregation Database (gnomAD). This alteration is expected to result in loss of function by premature protein truncation or nonsense-mediated mRNA decay. As such, this alteration is interpreted as a disease-causing mutation.

ARUP Laboratories, Molecular Genetics and Genomics, ARUP Laboratories
Classification: Pathogenic. Last evaluated: 2018-01-12. Review status: criteria provided, single submitter. Criteria: ARUP Molecular Germline Variant Investigation Process. Collection method: clinical testing. Allele origin: germline.
Comment: The MEN1 c.496C>T; p.Gln166Ter variant is reported in the literature and associated with loss of function of Menin (Tanaka 1998). This variant is not reported in gene-specific databases and is absent from the general population databases (1000 Genomes Project, Exome Variant Server, Genome Aggregation Database), indicating it is not a common polymorphism. This is a nonsense variant in exon 3 that results in a premature STOP codon resulting in a truncated protein or mRNA that might be targeted for nonsense mediated decay. Other nonsense variants in exon 3 have been reported in patients with multiple endocrine neoplasia type 1 (Bassett 1998). Based on the above information, this variant is considered pathogenic. References: Bassett J et al. Characterization of mutations in patients with multiple endocrine neoplasia type 1. Am J Hum Genet. 1998 Feb; 62(2): 232â€“244. Tanaka C et al. Absence of germ-line mutations of the multiple endocrine neoplasia type 1 (MEN1) gene in familial pituitary adenoma in contrast to MEN1 in Japanese. J Clin Endocrinol Metab. 1998 Mar;83(3):960-5.

Literature cited by the submitters: PubMed 9506756 (cited by Ambry Genetics).